The following is an entry in ClinVar:

ClinVar aggregate classification (germline): Uncertain significance (1 of 4 stars; one submission).

Conditions:
PKHD1L1-related disorder. Also called: PKHD1L1-related condition.

gnomAD v4.1: 1 of 1,612,870 alleles (0.000062%); highest among the groups gnomAD compares: Non-Finnish European, 0.000085%; no homozygotes.

Submission:

PreventionGenetics, part of Exact Sciences
Classification: Uncertain significance for PKHD1L1-related condition. Last evaluated: 2025-02-24. Review status: criteria provided, single submitter. Criteria: ACMG Guidelines, 2015. Collection method: clinical testing. Allele origin: germline.
Comment: The PKHD1L1 c.4012C>T variant is predicted to result in premature protein termination (p.Gln1338*). To our knowledge, this variant has not been reported in the literature or in a large population database (gnomAD), indicating this variant is rare. Nonsense variants in PKHD1L1 are expected to be pathogenic. This variant is interpreted as likely pathogenic.

NM_177531.6(PKHD1L1):c.4012C>T (p.Gln1338Ter)

Gene: PKHD1L1 (PKHD1 like 1; plus strand). Cytogenetic location: 8q23.1.
Variant type: single nucleotide variant.
Coding change: c.4012C>T on transcript NM_177531.6 (MANE Select); coding-DNA position 4012, C replaced by T.
Protein change: p.Gln1338Ter; replaces glutamine 1338 with a stop codon.
Molecular consequence: nonsense.
Genome position (GRCh38, 1-based): chr8:109,440,765, C>T. VCF-style: chr8-109440765-C-T. GRCh37 (hg19) VCF-style: chr8-110452994-C-T.
Other names: short protein forms Q1338*.
Identifiers: ClinVar variation 4982608 (VCV004982608.1).